The following is an entry in ClinVar:

ClinVar aggregate classification (germline): Uncertain significance (1 of 4 stars; one submission).

Conditions:
Long QT syndrome (LQTS). Identifiers: MedGen C0023976, MeSH D008133, MONDO:0002442. Disease mechanism: loss of function. Inheritance: Various modes of inheritance.

Submission:

Labcorp Genetics (formerly Invitae), Labcorp
Classification: Uncertain significance for Long QT syndrome. Last evaluated: 2023-07-29. Review status: criteria provided, single submitter. Criteria: Invitae Variant Classification Sherloc (09022015). Collection method: clinical testing. Allele origin: germline.
Comment: In summary, the available evidence is currently insufficient to determine the role of this variant in disease. Therefore, it has been classified as a Variant of Uncertain Significance. An algorithm developed to predict the effect of missense changes on protein structure and function (PolyPhen-2) suggests that this variant is likely to be disruptive. This variant has not been reported in the literature in individuals affected with KCNH2-related conditions. This variant is not present in population databases (gnomAD no frequency). This sequence change replaces asparagine, which is neutral and polar, with isoleucine, which is neutral and non-polar, at codon 985 of the KCNH2 protein (p.Asn985Ile).

NM_000238.4(KCNH2):c.2954A>T (p.Asn985Ile)

Gene: KCNH2 (potassium voltage-gated channel subfamily H member 2; minus strand). Cytogenetic location: 7q36.1.
Variant type: single nucleotide variant.
Coding change: c.2954A>T on transcript NM_000238.4 (MANE Select); coding-DNA position 2954, A replaced by T.
Protein change: p.Asn985Ile; replaces asparagine 985 with isoleucine.
Molecular consequence: missense variant. On other transcripts: non-coding transcript variant (2).
Genome position (GRCh38, 1-based): chr7:150,947,617, T>A on the plus strand (A>T on the coding strand, the complement: KCNH2 is on the minus strand). VCF-style: chr7-150947617-T-A. GRCh37 (hg19) VCF-style: chr7-150644705-T-A.
Other names: c.2666A>T, p.Asn889Ile (NM_001406753.1); c.1934A>T, p.Asn645Ile (NM_172057.3); short protein forms N889I, N645I, N985I.
Identifiers: ClinVar variation 2748072 (VCV002748072.3), dbSNP rs199473541, ClinGen allele CA369853056.